The following is an entry in ClinVar:

ClinVar aggregate classification (germline): Pathogenic (1 of 4 stars; one submission).

Conditions:
Spastic paraplegia. Identifiers: MedGen C0037772, HP:0001258.

Submission:

Labcorp Genetics (formerly Invitae), Labcorp
Classification: Pathogenic for Spastic paraplegia. Last evaluated: 2021-03-25. Review status: criteria provided, single submitter. Criteria: Invitae Variant Classification Sherloc (09022015). Collection method: clinical testing. Allele origin: germline.
Comment: This sequence change creates a premature translational stop signal (p.Cys3139*) in the SACS gene. While this is not anticipated to result in nonsense mediated decay, it is expected to disrupt the last 1441 amino acid(s) of the SACS protein. For these reasons, this variant has been classified as Pathogenic. This variant disrupts the C-terminus of the SACS protein. Other variant(s) that disrupt this region (p.Arg3903*) have been determined to be pathogenic (PMID: 19892370, 21745802). This suggests that variants that disrupt this region of the protein are likely to be causative of disease. This variant has not been reported in the literature in individuals with SACS-related conditions. This variant is not present in population databases (ExAC no frequency).

Literature cited by the submitters: PubMed 19892370; PubMed 21745802.

NM_014363.6(SACS):c.9417_9433del (p.Cys3139_Glu3145delinsTer)

Gene: SACS (sacsin molecular chaperone; minus strand). Cytogenetic location: 13q12.12.
Variant type: Deletion.
Coding change: c.9417_9433del on transcript NM_014363.6 (MANE Select); coding-DNA positions 9417 to 9433, 17 bases deleted (TTTTAAAGATGCAGAAG).
Protein change: p.Cys3139_Glu3145delinsTer.
Molecular consequence: nonsense.
Genome position (GRCh38, 1-based): chr13:23,334,443-23,334,459, CTTCTGCATCTTTAAAA deleted on the plus strand (TTTTAAAGATGCAGAAG on the coding strand, the reverse complement: SACS is on the minus strand); deleting any 17 consecutive bases within chr13:23,334,443-23,334,460 gives the same sequence; the c. name uses the placement nearest the transcript's 3' end. VCF-style (leftmost placement, unchanged base first): chr13-23334442-TCTTCTGCATCTTTAAAA-T. GRCh37 (hg19) VCF-style: chr13-23908581-TCTTCTGCATCTTTAAAA-T.
Other names: c.8976_8992del, p.Cys2992_Glu2998delinsTer (NM_001278055.2).
Identifiers: ClinVar variation 1431745 (VCV001431745.8), dbSNP rs2137583946, ClinGen allele CA2573149145.
Genomic context (GRCh38, chr13:23,334,442, plus strand): 5'-GTTTGCAAAACACTGTCCAGTGTGATGAGAAGGGGCAATCCCTCAACTTCAATCTCATTT[TCTTCTGCATCTTTAAAA>T]CAATAATCAACTAAAAGTTTTAAACTATGAAAAAGTTTTAGATTAGTCTGCTGCAGACGA-3'